The following is an entry in ClinVar:

NM_015915.5(ATL1):c.1649C>T (p.Thr550Ile)

Gene: ATL1 (atlastin GTPase 1; plus strand). Cytogenetic location: 14q22.1.
Variant type: single nucleotide variant.
Coding change: c.1649C>T on transcript NM_015915.5 (MANE Select); coding-DNA position 1649, C replaced by T.
Protein change: p.Thr550Ile; replaces threonine 550 with isoleucine.
Molecular consequence: missense variant.
Genome position (GRCh38, 1-based): chr14:50,632,311, C>T. VCF-style: chr14-50632311-C-T. GRCh37 (hg19) VCF-style: chr14-51099029-C-T.
Other names: p.Thr550Ile; c.1634C>T, p.Thr545Ile (NM_001127713.1, NM_181598.4); short protein forms T545I, T550I.
Identifiers: ClinVar variation 4683855 (VCV004683855.1).

ClinVar aggregate classification (germline): Likely benign (1 of 4 stars; one submission).

gnomAD v4.1: 4 of 1,612,808 alleles (0.00025%); highest among the groups gnomAD compares: African/African-American, 0.004%; no homozygotes.

Submission:

Mayo Clinic Laboratories, Mayo Clinic
Classification: Likely benign. Last evaluated: 2025-07-29. Review status: criteria provided, single submitter. Criteria: ACMG Guidelines, 2015. Collection method: clinical testing. Allele origin: germline. Observed: 1 variant allele.
Comment: BP4, BP5